The following is an entry in ClinVar:

ClinVar aggregate classification (germline): Uncertain significance. Review status: criteria provided, multiple submitters, no conflicts (2 of 4 stars). 2 submissions from 2 submitters: Uncertain significance (2). Last evaluated 2025-02-18.

Conditions:
TG-related disorder. Also called: TG-related condition; TG-related disorders.
Inborn genetic diseases. Identifiers: MedGen C0950123, MeSH D030342.

gnomAD v4.1: 8 of 1,613,908 alleles (0.0005%); highest among the groups gnomAD compares: African/African-American, 0.0013%; no homozygotes.

Submissions (2):

Ambry Genetics
Classification: Uncertain significance for Inborn genetic diseases. Last evaluated: 2025-02-18. Review status: criteria provided, single submitter. Criteria: Ambry Variant Classification Scheme 2023. Collection method: clinical testing. Allele origin: germline.

PreventionGenetics, part of Exact Sciences
Classification: Uncertain significance for TG-related condition. Last evaluated: 2024-10-09. Review status: criteria provided, single submitter. Criteria: ACMG Guidelines, 2015. Collection method: clinical testing. Allele origin: germline.
Comment: The TG c.5927T>C variant is predicted to result in the amino acid substitution p.Ile1976Thr. To our knowledge, this variant has not been reported in the literature. This variant is reported in 0.0065% of alleles in individuals of European (Non-Finnish) descent in gnomAD. At this time, the clinical significance of this variant is uncertain due to the absence of conclusive functional and genetic evidence.

NM_003235.5(TG):c.5927T>C (p.Ile1976Thr)

Gene: TG (thyroglobulin; plus strand). Cytogenetic location: 8q24.22.
Variant type: single nucleotide variant.
Coding change: c.5927T>C on transcript NM_003235.5 (MANE Select); coding-DNA position 5927, T replaced by C.
Protein change: p.Ile1976Thr; replaces isoleucine 1976 with threonine.
Molecular consequence: missense variant.
Genome position (GRCh38, 1-based): chr8:132,969,521, T>C. VCF-style: chr8-132969521-T-C. GRCh37 (hg19) VCF-style: chr8-133981766-T-C.
Other names: short protein forms I1976T.
Identifiers: ClinVar variation 3806344 (VCV003806344.2).
Genomic context (GRCh38, chr8:132,969,521, plus strand): 5'-TACTGGAAGATAAAGTGAAGAACTTTTACACTCGCCTGCCGTTCCAAAAACTGATGGGGA[T>C]ATCCATTAGAAATAAAGTGCCCATGTCTGAAAAATCTATTTCTAATGGGTAAGCTACTTG-3'
Protein context (NP_003226.4, residues 1966-1986): TRLPFQKLMG[Ile1976Thr]SIRNKVPMSE